The following is an entry in ClinVar:

ClinVar aggregate classification (germline): Likely pathogenic. Review status: criteria provided, multiple submitters, no conflicts (2 of 4 stars). 2 submissions from 2 submitters: Likely pathogenic (2). Last evaluated 2026-02-04.

Conditions:
Niemann-Pick disease, type C1. Also called: NIEMANN-PICK DISEASE WITH CHOLESTEROL ESTERIFICATION BLOCK; NIEMANN-PICK DISEASE WITHOUT SPHINGOMYELINASE DEFICIENCY; NIEMANN-PICK DISEASE, CHRONIC NEURONOPATHIC FORM; NIEMANN-PICK DISEASE, VARIANT TYPE C1; NEUROVISCERAL STORAGE DISEASE WITH VERTICAL SUPRANUCLEAR OPHTHALMOPLEGIA. Identifiers: Orphanet 646, MedGen C3179455, MONDO:0009757, OMIM 257220.

Submissions (2):

Myriad Genetics, Inc.
Classification: Likely pathogenic for Niemann-Pick disease, type C1. Last evaluated: 2026-02-04. Review status: criteria provided, single submitter. Criteria: Myriad Autosomal Dominant, Autosomal Recessive and X-Linked Classification Criteria (2023). Collection method: clinical testing. Allele origin: unknown.
Comment: NM_000271.4(NPC1):c.1758-3_1761del7 is a variant in a canonical splice site classified as likely pathogenic in the context of Niemann-Pick disease type C1. c.1758-3_1761del7 has not been observed in cases with relevant disease. Relevant functional assessments of this variant are not available in the literature. c.1758-3_1761del7 has not been observed in referenced population frequency databases. In summary, NM_000271.4(NPC1):c.1758-3_1761del7 is a variant in a canonical splice site in a gene where loss of function is a known mechanism of disease and is predicted to disrupt protein function. Please note: this variant was assessed in the context of healthy population screening.

Labcorp Genetics (formerly Invitae), Labcorp
Classification: Likely pathogenic for Niemann-Pick disease, type C1. Last evaluated: 2023-07-31. Review status: criteria provided, single submitter. Criteria: Invitae Variant Classification Sherloc (09022015). Collection method: clinical testing. Allele origin: germline.
Comment: In summary, the currently available evidence indicates that the variant is pathogenic, but additional data are needed to prove that conclusively. Therefore, this variant has been classified as Likely Pathogenic. Algorithms developed to predict the effect of sequence changes on RNA splicing suggest that this variant may disrupt the consensus splice site. This variant has not been reported in the literature in individuals affected with NPC1-related conditions. This variant is not present in population databases (gnomAD no frequency). This variant results in the deletion of part of exon 12 (c.1758-3_1761del) of the NPC1 gene. It is expected to disrupt RNA splicing. Variants that disrupt the donor or acceptor splice site typically lead to a loss of protein function (PMID: 16199547), and loss-of-function variants in NPC1 are known to be pathogenic (PMID: 9211850).

Literature cited by the submitters: PubMed 16199547 (cited by Labcorp Genetics (formerly Invitae), Labcorp); PubMed 9211850 (cited by Labcorp Genetics (formerly Invitae), Labcorp).

NM_000271.5(NPC1):c.1758-3_1761del

Gene: NPC1 (NPC intracellular cholesterol transporter 1; minus strand). Cytogenetic location: 18q11.2.
Variant type: Deletion.
Coding change: c.1758-3_1761del on transcript NM_000271.5 (MANE Select); 3 bases into the intron before coding-DNA position 1758 through coding-DNA position 1761, 7 bases deleted (TAGGTTT; older notation c.1758-3_1761delTAGGTTT).
Molecular consequence: splice acceptor variant.
Genome position (GRCh38, 1-based): chr18:23,545,146-23,545,152, AAACCTA deleted on the plus strand (TAGGTTT on the coding strand, the reverse complement: NPC1 is on the minus strand); deleting any 7 consecutive bases within chr18:23,545,146-23,545,155 gives the same sequence; the c. name uses the placement nearest the transcript's 3' end. VCF-style (leftmost placement, unchanged base first): chr18-23545145-TAAACCTA-T. GRCh37 (hg19) VCF-style: chr18-21125109-TAAACCTA-T.
Identifiers: ClinVar variation 2748642 (VCV002748642.4), dbSNP rs2511240863, ClinGen allele CA2697555389.